The following is an entry in ClinVar:

ClinVar aggregate classification (germline): Likely benign (1 of 4 stars; one submission).

Conditions:
CREBBP-related disorder. Also called: CREBBP-related disorders; CREBBP-related condition.

gnomAD v4.1: 45 of 1,614,146 alleles (0.0028%); highest among the groups gnomAD compares: South Asian, 0.038%; no homozygotes.

Submission:

PreventionGenetics, part of Exact Sciences
Classification: Likely benign for CREBBP-related condition. Last evaluated: 2025-05-19. Review status: criteria provided, single submitter. Criteria: ACMG Guidelines, 2015. Collection method: clinical testing. Allele origin: germline.
Comment: This variant is classified as likely benign based on ACMG/AMP sequence variant interpretation guidelines (Richards et al. 2015 PMID: 25741868, with internal and published modifications).

NM_004380.3(CREBBP):c.1464C>T (p.Leu488=)

Gene: CREBBP (CREB binding lysine acetyltransferase; minus strand). Cytogenetic location: 16p13.3.
Variant type: single nucleotide variant.
Coding change: c.1464C>T on transcript NM_004380.3 (MANE Select); coding-DNA position 1464, C replaced by T.
Protein change: p.Leu488=; no amino-acid change (leucine 488 retained).
Molecular consequence: synonymous variant.
Genome position (GRCh38, 1-based): chr16:3,782,793, G>A on the plus strand (C>T on the coding strand, the complement: CREBBP is on the minus strand). VCF-style: chr16-3782793-G-A. GRCh37 (hg19) VCF-style: chr16-3832794-G-A.
Other names: c.1350C>T, p.Leu450= (NM_001079846.1).
Identifiers: ClinVar variation 4980091 (VCV004980091.1).